The following is an entry in ClinVar:

ClinVar aggregate classification (germline): Uncertain significance (1 of 4 stars; one submission).

Allele frequency attached by ClinVar (database versions not stated): TOPMed below 0.00001.

Submission:

Labcorp Genetics (formerly Invitae), Labcorp
Classification: Uncertain significance. Last evaluated: 2025-07-21. Review status: criteria provided, single submitter. Criteria: Invitae Variant Classification Sherloc (09022015). Collection method: clinical testing. Allele origin: germline.
Comment: This sequence change replaces tyrosine, which is neutral and polar, with histidine, which is basic and polar, at codon 353 of the CFH protein (p.Tyr353His). This variant is not present in population databases (gnomAD no frequency). This variant has not been reported in the literature in individuals affected with CFH-related conditions. ClinVar contains an entry for this variant (Variation ID: 1938292). An algorithm developed to predict the effect of missense changes on protein structure and function (PolyPhen-2) suggests that this variant is likely to be disruptive. In summary, the available evidence is currently insufficient to determine the role of this variant in disease. Therefore, it has been classified as a Variant of Uncertain Significance.

NM_000186.4(CFH):c.1057T>C (p.Tyr353His)

Gene: CFH (complement factor H; plus strand). Cytogenetic location: 1q31.3.
Variant type: single nucleotide variant.
Coding change: c.1057T>C on transcript NM_000186.4 (MANE Select); coding-DNA position 1057, T replaced by C.
Protein change: p.Tyr353His; replaces tyrosine 353 with histidine.
Molecular consequence: missense variant.
Genome position (GRCh38, 1-based): chr1:196,689,512, T>C. VCF-style: chr1-196689512-T-C. GRCh37 (hg19) VCF-style: chr1-196658642-T-C.
Other names: c.1057T>C, p.Tyr353His (NM_001014975.3); short protein forms Y353H.
Identifiers: ClinVar variation 1938292 (VCV001938292.5), dbSNP rs1667951420, ClinGen allele CA343979883.
Genomic context (GRCh38, chr1:196,689,512, plus strand): 5'-GGAGGTCTATATCATGAGAATATGCGTAGACCATACTTTCCAGTAGCTGTAGGAAAATAT[T>C]ACTCCTATTACTGTGATGAACATTTTGAGACTCCGTCAGGAAGTTACTGGGATCACATTC-3'
Protein context (NP_000177.2, residues 343-363): PYFPVAVGKY[Tyr353His]SYYCDEHFET